The following is an entry in ClinVar:

ClinVar aggregate classification (germline): Benign. Review status: criteria provided, multiple submitters, no conflicts (2 of 4 stars). 2 submissions from 2 submitters: Benign (2). Last evaluated 2018-06-14.

Allele frequency attached by ClinVar (database versions not stated): 1000 Genomes Project 0.78415; gnomAD exomes 0.76971; 1000 Genomes Project 30x 0.79435; gnomAD 0.81633; TOPMed 0.82933.
gnomAD v4.1: 673,253 of 864,940 alleles (78%); highest among the groups gnomAD compares: African/African-American, 94%; 263,837 homozygotes.

Submissions (2):

GeneDx
Classification: Benign. Last evaluated: 2018-06-14. Review status: criteria provided, single submitter. Criteria: GeneDx Variant Classification (06012015). Collection method: clinical testing. Allele origin: germline. Affected: yes.
Comment: This variant is considered likely benign or benign based on one or more of the following criteria: it is a conservative change, it occurs at a poorly conserved position in the protein, it is predicted to be benign by multiple in silico algorithms, and/or has population frequency not consistent with disease.

Breakthrough Genomics
Classification: Benign. Review status: criteria provided, single submitter. Criteria: ACMG Guidelines, 2015. Collection method: not provided. Allele origin: germline. Inheritance: Autosomal recessive inheritance. Affected: yes.

NM_001384140.1(PCDH15):c.2091+141T>C

Gene: PCDH15 (protocadherin related 15; minus strand). Cytogenetic location: 10q21.1.
Variant type: single nucleotide variant.
Coding change: c.2091+141T>C on transcript NM_001384140.1 (MANE Select); 141 bases into the intron after coding-DNA position 2091, T replaced by C.
Molecular consequence: intron variant.
Genome position (GRCh38, 1-based): chr10:54,079,190, A>G on the plus strand (T>C on the coding strand, the complement: PCDH15 is on the minus strand). VCF-style: chr10-54079190-A-G. GRCh37 (hg19) VCF-style: chr10-55838950-A-G.
Other names: c.2091+141T>C (NM_001354420.2, NM_001354429.2, NM_001142772.2 and 5 more transcripts); c.2106+141T>C (NM_001142771.2, NM_001142763.2); c.2112+141T>C (NM_001354411.2); c.2127+141T>C (NM_001142769.3); c.2025+141T>C (NM_001354404.2, NM_001142773.2, NM_001142768.2); c.1980+141T>C (NM_001142767.2); c.1878+141T>C (NM_001142765.2).
Identifiers: ClinVar variation 678853 (VCV000678853.2), dbSNP rs1911433, ClinGen allele CA15665127.
Genomic context (GRCh38, chr10:54,079,190, plus strand): 5'-TCAAAGGTTGCAGCACAATAGCAAATTCAGAGTATAGGTGCATGTATTAATAGCCTGTTG[A>G]AGAAAAGAGCAACACTTCTAGTAATTATAAGAAGTTGCTCCAGATGAAAAACATTAATTC-3'